The following is an entry in ClinVar:

NM_003480.4(MFAP5):c.194T>G (p.Ile65Ser)

Gene: MFAP5 (microfibril associated protein 5; minus strand). Cytogenetic location: 12p13.31.
Variant type: single nucleotide variant.
Coding change: c.194T>G on transcript NM_003480.4 (MANE Select); coding-DNA position 194, T replaced by G.
Protein change: p.Ile65Ser; replaces isoleucine 65 with serine.
Molecular consequence: missense variant. On other transcripts: non-coding transcript variant (2), intron variant (1).
Genome position (GRCh38, 1-based): chr12:8,654,460, A>C on the plus strand (T>G on the coding strand, the complement: MFAP5 is on the minus strand). VCF-style: chr12-8654460-A-C. GRCh37 (hg19) VCF-style: chr12-8807056-A-C.
Other names: c.194T>G, p.Ile65Ser (NM_001297709.2, NM_001297712.2); c.158T>G, p.Ile53Ser (NM_001297710.2); c.172+955T>G (NM_001297711.2); short protein forms I53S, I65S.
Identifiers: ClinVar variation 3012295 (VCV003012295.3), dbSNP rs1322710075, ClinGen allele CA384039324.
Genomic context (GRCh38, chr12:8,654,460, plus strand): 5'-GGCCCTGATGACCTGGGGGTCCCAGATCTGAACTCACCCAAGTCATCTGTGGAAGGTGCA[A>C]TATCAGCCAAAACAGCCAAAACTGAAAAGGCACAAAACAGCAGGTATGAGGAGGGCTTCA-3'
Protein context (NP_003471.1, residues 55-75): DETVLAVLAD[Ile65Ser]APSTDDLASL

ClinVar aggregate classification (germline): Uncertain significance (1 of 4 stars; one submission).

gnomAD v4.1: 11 of 1,604,376 alleles (0.00069%); highest among the groups gnomAD compares: Non-Finnish European, 0.00094%; no homozygotes.

Submission:

Labcorp Genetics (formerly Invitae), Labcorp
Classification: Uncertain significance. Last evaluated: 2023-09-19. Review status: criteria provided, single submitter. Criteria: Invitae Variant Classification Sherloc (09022015). Collection method: clinical testing. Allele origin: germline.
Comment: This sequence change replaces isoleucine, which is neutral and non-polar, with serine, which is neutral and polar, at codon 65 of the MFAP5 protein (p.Ile65Ser). This variant is not present in population databases (gnomAD no frequency). This variant has not been reported in the literature in individuals affected with MFAP5-related conditions. An algorithm developed to predict the effect of missense changes on protein structure and function (PolyPhen-2) suggests that this variant is likely to be disruptive. In summary, the available evidence is currently insufficient to determine the role of this variant in disease. Therefore, it has been classified as a Variant of Uncertain Significance.